The following is an entry in ClinVar:

NM_003579.4(RAD54L):c.863del (p.Gly288fs)

Gene: RAD54L (RAD54 like; plus strand). Cytogenetic location: 1p34.1.
Variant type: Deletion.
Coding change: c.863del on transcript NM_003579.4 (MANE Select); coding-DNA position 863, one base deleted (G; older notation c.863delG).
Protein change: p.Gly288fs; shifts the reading frame from glycine 288.
Molecular consequence: frameshift variant.
Genome position (GRCh38, 1-based): chr1:46,261,357, G deleted; the last of 2 consecutive G bases (chr1:46,261,356-46,261,357); deleting either gives the same sequence. VCF-style (leftmost placement, unchanged base first): chr1-46261355-AG-A. GRCh37 (hg19) VCF-style: chr1-46727027-AG-A.
Other names: c.863del, p.Gly288fs (NM_001142548.2); c.323del, p.Gly108fs (NM_001370766.1); short protein forms G108fs, G288fs.
Identifiers: ClinVar variation 1683610 (VCV001683610.3), dbSNP rs1660118680, ClinGen allele CA2474111752.
Genomic context (GRCh38, chr1:46,261,355, plus strand): 5'-TTCTCCCATCCTCATCATTTCCTATGAGACCTTCCGCCTTCATGTTGGAGTCCTCCAGAA[AG>A]GAAGTGTTGGTCTGGTCATATGTGACGAGGTACTTGACTCTCAGCAGTCTGGGTGGTAGG-3'

ClinVar aggregate classification (germline): Uncertain significance. Review status: criteria provided, multiple submitters, no conflicts (2 of 4 stars). 2 submissions from 2 submitters: Uncertain significance (2). Last evaluated 2026-03-05.

Conditions:
Familial cancer of breast. Also called: Hereditary breast cancer; BREAST CANCER, FAMILIAL; hereditary breast carcinoma. Identifiers: Orphanet 227535, MedGen C0346153, MONDO:0016419, OMIM 114480. Disease mechanism: loss of function.

Submissions (2):

Mendelics
Classification: Uncertain significance for Familial cancer of breast. Last evaluated: 2026-03-05. Review status: criteria provided, single submitter. Criteria: ACMG Guidelines, 2015. Collection method: clinical testing. Allele origin: unknown.
Comment: The available evidence is insufficient to conclusively determine the role of this variant. Therefore, it is classified as a Variant of Uncertain Significance.

Laboratorio de Genetica e Diagnostico Molecular, Hospital Israelita Albert Einstein
Classification: Uncertain significance for Familial cancer of breast. Last evaluated: 2021-07-15. Review status: criteria provided, single submitter. Criteria: ACMG Guidelines, 2015. Collection method: clinical testing. Allele origin: germline. Affected: yes.
Comment: ACMG classification criteria: PM2 moderate